The following is an entry in ClinVar:

ClinVar aggregate classification (germline): Benign (1 of 4 stars; one submission).

Conditions:
Tuberous sclerosis 2 (TSC2). Identifiers: Orphanet 805, MedGen C1860707, MONDO:0013199, OMIM 613254.

Submission:

Myriad Genetics, Inc.
Classification: Benign for Tuberous sclerosis 2. Last evaluated: 2025-05-21. Review status: criteria provided, single submitter. Criteria: Myriad Autosomal Dominant, Autosomal Recessive and X-Linked Classification Criteria (2023). Collection method: clinical testing. Allele origin: unknown.
Comment: This variant is considered benign. This variant is a silent/synonymous amino acid change and it is not expected to impact splicing.

NM_000548.5(TSC2):c.2676C>G (p.Val892=)

Gene: TSC2 (TSC complex subunit 2; plus strand). Cytogenetic location: 16p13.3.
Variant type: single nucleotide variant.
Coding change: c.2676C>G on transcript NM_000548.5 (MANE Select); coding-DNA position 2676, C replaced by G.
Protein change: p.Val892=; no amino-acid change (valine 892 retained).
Molecular consequence: synonymous variant. On other transcripts: non-coding transcript variant (5).
Genome position (GRCh38, 1-based): chr16:2,076,104, C>G. VCF-style: chr16-2076104-C-G. GRCh37 (hg19) VCF-style: chr16-2126105-C-G.
Other names: c.2676C>G, p.Val892= (NM_001077183.3, NM_001114382.3, NM_001363528.2 and 6 more transcripts); c.2565C>G, p.Val855= (NM_001318827.2, NM_001406670.1, NM_001406678.1); c.2529C>G, p.Val843= (NM_001318829.2, NM_001406675.1, NM_001406676.1 and 1 more transcripts); c.2076C>G, p.Val692= (NM_001318831.2, NM_001406680.1, NM_001406682.1 and 6 more transcripts); c.2709C>G, p.Val903= (NM_001318832.2); c.2766C>G, p.Val922= (NM_001406667.1, NM_001406668.1); c.2664C>G, p.Val888= (NM_001406671.1, NM_001406673.1); c.2619C>G, p.Val873= (NM_001406677.1); and 3 more.
Identifiers: ClinVar variation 4071244 (VCV004071244.1).